The following is an entry in ClinVar:

NM_002677.5(PMP2):c.365G>A (p.Gly122Asp)

Gene: PMP2 (peripheral myelin protein 2; minus strand). Cytogenetic location: 8q21.13.
Variant type: single nucleotide variant.
Coding change: c.365G>A on transcript NM_002677.5 (MANE Select); coding-DNA position 365, G replaced by A.
Protein change: p.Gly122Asp; replaces glycine 122 with aspartic acid.
Molecular consequence: missense variant. On other transcripts: 3 prime UTR variant (1).
Genome position (GRCh38, 1-based): chr8:81,443,432, C>T on the plus strand (G>A on the coding strand, the complement: PMP2 is on the minus strand). VCF-style: chr8-81443432-C-T. GRCh37 (hg19) VCF-style: chr8-82355667-C-T.
Other names: p.Gly122Asp; c.*9G>A (NM_001348381.2); short protein forms G122D.
Identifiers: ClinVar variation 768248 (VCV000768248.15), dbSNP rs79716681, ClinGen allele CA4791890.

ClinVar aggregate classification (germline): Benign. Review status: criteria provided, multiple submitters, no conflicts (2 of 4 stars). 5 submissions from 5 submitters: Benign (4). 1 of the submissions does not count toward it. Last evaluated 2026-01-13.

Conditions:
PMP2-related disorder. Also called: PMP2-related condition.

Allele frequency attached by ClinVar (database versions not stated): gnomAD exomes 0.00411; 1000 Genomes Project 30x 0.01593; gnomAD 0.01619 and 0.01753; ESP Exome Variant Server 0.02085; ExAC 0.00495; 1000 Genomes Project 0.01597; TOPMed 0.01853.

Submissions (5):

Labcorp Genetics (formerly Invitae), Labcorp
Classification: Benign. Last evaluated: 2026-01-13. Review status: criteria provided, single submitter. Criteria: Invitae Variant Classification Sherloc (09022015). Collection method: clinical testing. Allele origin: germline.

Mayo Clinic Laboratories, Mayo Clinic
Classification: Benign. Last evaluated: 2023-04-30. Review status: criteria provided, single submitter. Criteria: ACMG Guidelines, 2015. Collection method: clinical testing. Allele origin: germline. Observed: 5 variant alleles.

GeneDx
Classification: Benign. Last evaluated: 2021-05-05. Review status: criteria provided, single submitter. Criteria: GeneDx Variant Classification Process June 2021. Collection method: clinical testing. Allele origin: germline. Affected: yes.

Breakthrough Genomics
Classification: Benign. Review status: criteria provided, single submitter. Criteria: ACMG Guidelines, 2015. Collection method: not provided. Allele origin: germline. Inheritance: Autosomal dominant inheritance. Affected: yes.

PreventionGenetics, part of Exact Sciences
Classification: Benign for PMP2-related condition. Last evaluated: 2019-06-07. Review status: no assertion criteria provided. Collection method: clinical testing. Allele origin: germline. Not counted in ClinVar's aggregate classification.
Comment: This variant is classified as benign based on ACMG/AMP sequence variant interpretation guidelines (Richards et al. 2015 PMID: 25741868, with internal and published modifications).